The following is an entry in ClinVar:

NM_005359.6(SMAD4):c.822A>G (p.Ala274=)

Gene: SMAD4 (SMAD family member 4; plus strand). Cytogenetic location: 18q21.2.
Variant type: single nucleotide variant.
Coding change: c.822A>G on transcript NM_005359.6 (MANE Select); coding-DNA position 822, A replaced by G.
Protein change: p.Ala274=; no amino-acid change (alanine 274 retained).
Molecular consequence: synonymous variant. On other transcripts: non-coding transcript variant (2).
Genome position (GRCh38, 1-based): chr18:51,058,374, A>G. VCF-style: chr18-51058374-A-G. GRCh37 (hg19) VCF-style: chr18-48584744-A-G.
Other names: c.822A>G, p.Ala274= (NM_001407041.1, NM_001407042.1, NM_001407043.1).
Identifiers: ClinVar variation 2098204 (VCV002098204.5), dbSNP rs1599189780, ClinGen allele CA503993923.

ClinVar aggregate classification (germline): Benign/Likely benign. Review status: criteria provided, multiple submitters, no conflicts (2 of 4 stars). 2 submissions from 2 submitters: Benign (1); Likely benign (1). Last evaluated 2025-03-20.

Conditions:
Juvenile polyposis/hereditary hemorrhagic telangiectasia syndrome (JPHT). Also called: JP/HHT SYNDROME; JUVENILE POLYPOSIS WITH HEREDITARY HEMORRHAGIC TELANGIECTASIA; POLYPOSIS, GENERALIZED JUVENILE, WITH PULMONARY ARTERIOVENOUS MALFORMATION; TELANGIECTASIA, HEREDITARY HEMORRHAGIC, WITH JUVENILE POLYPOSIS COLI; Juvenile Polyposis Syndrome / Hereditary Hemorrhagic Telangiectasia (JPS/HHT). Identifiers: Orphanet 2929, MedGen C1832942, MONDO:0008278, OMIM 175050.
Juvenile polyposis syndrome (JPS). Identifiers: Orphanet 2929, MedGen C0345893, MONDO:0017380, OMIM 174900.

Submissions (2):

Myriad Genetics, Inc.
Classification: Benign for Juvenile polyposis/hereditary hemorrhagic telangiectasia syndrome. Last evaluated: 2025-03-20. Review status: criteria provided, single submitter. Criteria: Myriad Autosomal Dominant, Autosomal Recessive and X-Linked Classification Criteria (2023). Collection method: clinical testing. Allele origin: unknown.
Comment: This variant is considered benign. This variant is a silent/synonymous amino acid change and it is not expected to impact splicing.

Labcorp Genetics (formerly Invitae), Labcorp
Classification: Likely benign for Juvenile polyposis syndrome. Last evaluated: 2024-10-12. Review status: criteria provided, single submitter. Criteria: Invitae Variant Classification Sherloc (09022015). Collection method: clinical testing. Allele origin: germline.